The following is an entry in ClinVar:

ClinVar aggregate classification (germline): Benign/Likely benign. Review status: criteria provided, multiple submitters, no conflicts (2 of 4 stars). 3 submissions from 3 submitters: Benign (1); Likely benign (2). Last evaluated 2026-03-01.

Conditions:
Branchiooculofacial syndrome (BOFS). Also called: BOF SYNDROME; HEMANGIOMATOUS BRANCHIAL CLEFTS-LIP PSEUDOCLEFT SYNDROME; LIP PSEUDOCLEFT-HEMANGIOMATOUS BRANCHIAL CYST SYNDROME; Branchio-Oculo-Facial Syndrome. Identifiers: Orphanet 1297, MedGen C0376524, MeSH D019280, MONDO:0007235, OMIM 113620.

Allele frequency attached by ClinVar (database versions not stated): gnomAD exomes 0.00003 and 0.00006; ExAC 0.00009; ESP Exome Variant Server 0.00023; gnomAD 0.00035 and 0.00039; TOPMed 0.00047.
gnomAD v4.1: 96 of 1,611,852 alleles (0.006%); highest among the groups gnomAD compares: African/African-American, 0.12%; no homozygotes.

Submissions (3):

CeGaT Center for Human Genetics Tuebingen
Classification: Likely benign. Last evaluated: 2026-03-01. Review status: criteria provided, single submitter. Criteria: CeGaT Center For Human Genetics Tuebingen Variant Classification Criteria Version 2. Collection method: clinical testing. Allele origin: germline. Affected: yes. Observed: 1 variant allele.
Comment: TFAP2A: BP4, BP7, BS1

Labcorp Genetics (formerly Invitae), Labcorp
Classification: Benign. Last evaluated: 2025-07-20. Review status: criteria provided, single submitter. Criteria: Invitae Variant Classification Sherloc (09022015). Collection method: clinical testing. Allele origin: germline.

Fulgent Genetics
Classification: Likely benign for Branchiooculofacial syndrome. Last evaluated: 2022-01-05. Review status: criteria provided, single submitter. Criteria: ACMG Guidelines, 2015. Collection method: clinical testing. Allele origin: unknown.

NM_001372066.1(TFAP2A):c.141G>A (p.Leu47=)

Gene: TFAP2A (transcription factor AP-2 alpha; minus strand). Cytogenetic location: 6p24.3.
Variant type: single nucleotide variant.
Coding change: c.141G>A on transcript NM_001372066.1 (MANE Select); coding-DNA position 141, G replaced by A.
Protein change: p.Leu47=; no amino-acid change (leucine 47 retained).
Molecular consequence: synonymous variant.
Genome position (GRCh38, 1-based): chr6:10,410,246, C>T on the plus strand (G>A on the coding strand, the complement: TFAP2A is on the minus strand). VCF-style: chr6-10410246-C-T. GRCh37 (hg19) VCF-style: chr6-10410479-C-T.
Other names: c.117G>A, p.Leu39= (NM_001032280.3); c.123G>A, p.Leu41= (NM_001042425.3).
Identifiers: ClinVar variation 1645847 (VCV001645847.13), dbSNP rs149126243, ClinGen allele CA3631403.
Genomic context (GRCh38, chr6:10,410,246, plus strand): 5'-GATAGGCTGGTAGGGTGGGGGGAAGTATGGGGGCTGGAAGTCGGCATTGGGGGTGTGGGA[C>T]AGCGGCGGGGCGCTCGTGTAGGGAGATTGACCTACAGTGCCCAGCTGGGGCAACCGTGCC-3'
Protein context (NP_001358995.1, residues 37-57): GQSPYTSAPP[Leu47=]SHTPNADFQP